The following is an entry in ClinVar:

ClinVar aggregate classification (germline): Conflicting classifications of pathogenicity. Review status: criteria provided, conflicting classifications (1 of 4 stars). 4 submissions from 4 submitters: Uncertain significance (3); Likely benign (1). Last evaluated 2025-09-29.

Conditions:
Charcot-Marie-Tooth disease type 2. Also called: Charcot-Marie-Tooth type 2. Identifiers: Orphanet 64746, MedGen C0270914, MONDO:0018993.

Allele frequency attached by ClinVar (database versions not stated): gnomAD exomes below 0.00001; gnomAD 0.00001; TOPMed 0.00001.
gnomAD v4.1: 20 of 1,597,594 alleles (0.0013%); highest among the groups gnomAD compares: Middle Eastern, 0.017%; no homozygotes.

Submissions (4):

Ambry Genetics
Classification: Uncertain significance. Last evaluated: 2025-09-29. Review status: criteria provided, single submitter. Criteria: Ambry Variant Classification Scheme 2023. Collection method: clinical testing. Allele origin: germline.
Comment: The p.L1163V variant (also known as c.3487C>G), located in coding exon 30 of the KIF1B gene, results from a C to G substitution at nucleotide position 3487. The leucine at codon 1163 is replaced by valine, an amino acid with highly similar properties. This amino acid position is conserved. In addition, this alteration is predicted to be tolerated by in silico analysis. Since supporting evidence is limited at this time, the clinical significance of this alteration remains unclear.

CeGaT Center for Human Genetics Tuebingen
Classification: Likely benign. Last evaluated: 2024-08-01. Review status: criteria provided, single submitter. Criteria: CeGaT Center For Human Genetics Tuebingen Variant Classification Criteria Version 2. Collection method: clinical testing. Allele origin: germline. Affected: yes. Observed: 1 variant allele.
Comment: KIF1B: BP4

Mayo Clinic Laboratories, Mayo Clinic
Classification: Uncertain significance. Last evaluated: 2020-10-12. Review status: criteria provided, single submitter. Criteria: ACMG Guidelines, 2015. Collection method: clinical testing. Allele origin: germline. Observed: 1 variant allele.

Labcorp Genetics (formerly Invitae), Labcorp
Classification: Uncertain significance for Charcot-Marie-Tooth disease type 2. Last evaluated: 2018-04-20. Review status: criteria provided, single submitter. Criteria: Invitae Variant Classification Sherloc (09022015). Collection method: clinical testing. Allele origin: germline.
Comment: In summary, the available evidence is currently insufficient to determine the role of this variant in disease. Therefore, it has been classified as a Variant of Uncertain Significance. Algorithms developed to predict the effect of missense changes on protein structure and function (SIFT, PolyPhen-2, Align-GVGD) all suggest that this variant is likely to be tolerated, but these predictions have not been confirmed by published functional studies and their clinical significance is uncertain. This variant has not been reported in the literature in individuals with KIF1B-related disease. This variant is not present in population databases (ExAC no frequency). This sequence change replaces leucine with valine at codon 1163 of the KIF1B protein (p.Leu1163Val). The leucine residue is moderately conserved and there is a small physicochemical difference between leucine and valine.

NM_001365951.3(KIF1B):c.3625C>G (p.Leu1209Val)

Gene: KIF1B (kinesin family member 1B; plus strand). Cytogenetic location: 1p36.22.
Variant type: single nucleotide variant.
Coding change: c.3625C>G on transcript NM_001365951.3 (MANE Select); coding-DNA position 3625, C replaced by G.
Protein change: p.Leu1209Val; replaces leucine 1209 with valine.
Molecular consequence: missense variant.
Genome position (GRCh38, 1-based): chr1:10,342,161, C>G. VCF-style: chr1-10342161-C-G. GRCh37 (hg19) VCF-style: chr1-10402219-C-G.
Other names: c.3625C>G, p.Leu1209Val (NM_001365952.1); c.3487C>G, p.Leu1163Val (NM_015074.3); short protein forms L1163V, L1209V.
Identifiers: ClinVar variation 577791 (VCV000577791.33), dbSNP rs1320246121, ClinGen allele CA338341957.